The following is an entry in ClinVar:

ClinVar aggregate classification (germline): Likely benign (0 of 4 stars; one submission).

Conditions:
SEMA3C-related disorder. Also called: SEMA3C-related condition.

gnomAD v4.1: 55 of 1,596,192 alleles (0.0034%); highest among the groups gnomAD compares: Non-Finnish European, 0.0047%; no homozygotes.

Submission:

PreventionGenetics, part of Exact Sciences
Classification: Likely benign for SEMA3C-related condition. Last evaluated: 2024-08-27. Review status: no assertion criteria provided. Collection method: clinical testing. Allele origin: germline.
Comment: This variant is classified as likely benign based on ACMG/AMP sequence variant interpretation guidelines (Richards et al. 2015 PMID: 25741868, with internal and published modifications).

NM_006379.5(SEMA3C):c.264+9A>T

Gene: SEMA3C (semaphorin 3C; minus strand). Cytogenetic location: 7q21.11.
Variant type: single nucleotide variant.
Coding change: c.264+9A>T on transcript NM_006379.5 (MANE Select); 9 bases into the intron after coding-DNA position 264, A replaced by T.
Molecular consequence: intron variant.
Genome position (GRCh38, 1-based): chr7:80,828,576, T>A on the plus strand (A>T on the coding strand, the complement: SEMA3C is on the minus strand). VCF-style: chr7-80828576-T-A. GRCh37 (hg19) VCF-style: chr7-80457892-T-A.
Other names: c.318+9A>T (NM_001350120.2); c.90+9A>T (NM_001350121.2).
Identifiers: ClinVar variation 3354780 (VCV003354780.1).